The following is an entry in ClinVar:

ClinVar aggregate classification (germline): Benign. Review status: criteria provided, single submitter (1 of 4 stars). 2 submissions from 2 submitters: Benign (1). 1 of the submissions does not count toward it. Last evaluated 2025-10-17.

Conditions:
OPLAH-related disorder. Also called: OPLAH-related condition.
5-Oxoprolinase deficiency (OPLAHD). Also called: 5-OXOPROLINURIA DUE TO 5-OXOPROLINASE DEFICIENCY. Identifiers: Orphanet 33572, MedGen C0268525, MONDO:0009825, OMIM 260005, HP:0040142.

Allele frequency attached by ClinVar (database versions not stated): gnomAD exomes 0.00013 and 0.00050; gnomAD 0.00017 and 0.00022; TOPMed 0.00029; ExAC 0.00054; 1000 Genomes Project 30x 0.00156; 1000 Genomes Project 0.00180.

Submissions (2):

Labcorp Genetics (formerly Invitae), Labcorp
Classification: Benign for 5-Oxoprolinase deficiency. Last evaluated: 2025-10-17. Review status: criteria provided, single submitter. Criteria: Invitae Variant Classification Sherloc (09022015). Collection method: clinical testing. Allele origin: germline.

PreventionGenetics, part of Exact Sciences
Classification: Likely benign for OPLAH-related condition. Last evaluated: 2020-09-02. Review status: no assertion criteria provided. Collection method: clinical testing. Allele origin: germline. Not counted in ClinVar's aggregate classification.
Comment: This variant is classified as likely benign based on ACMG/AMP sequence variant interpretation guidelines (Richards et al. 2015 PMID: 25741868, with internal and published modifications).

NM_017570.5(OPLAH):c.734T>C (p.Ile245Thr)

Gene: OPLAH (5-oxoprolinase, ATP-hydrolysing; minus strand). Cytogenetic location: 8q24.3.
Variant type: single nucleotide variant.
Coding change: c.734T>C on transcript NM_017570.5 (MANE Select); coding-DNA position 734, T replaced by C.
Protein change: p.Ile245Thr; replaces isoleucine 245 with threonine.
Molecular consequence: missense variant.
Genome position (GRCh38, 1-based): chr8:144,058,545, A>G on the plus strand (T>C on the coding strand, the complement: OPLAH is on the minus strand). VCF-style: chr8-144058545-A-G. GRCh37 (hg19) VCF-style: chr8-145113448-A-G.
Other names: c.734T>C (NM_017570.4); short protein forms I245T.
Identifiers: ClinVar variation 1166183 (VCV001166183.9), dbSNP rs556057842, ClinGen allele CA4932179.